The following is an entry in ClinVar:

ClinVar aggregate classification (germline): Likely benign (0 of 4 stars; one submission).

Conditions:
MYH13-related disorder. Also called: MYH13-related condition.

Allele frequency attached by ClinVar (database versions not stated): ExAC 0.00055; gnomAD 0.00150; TOPMed 0.00177; 1000 Genomes Project 0.00180; 1000 Genomes Project 30x 0.00203; ESP Exome Variant Server 0.00215.
gnomAD v4.1: 616 of 1,614,010 alleles (0.038%); highest among the groups gnomAD compares: African/African-American, 0.56%; 3 homozygotes.

Submission:

PreventionGenetics, part of Exact Sciences
Classification: Likely benign for MYH13-related condition. Last evaluated: 2022-07-21. Review status: no assertion criteria provided. Collection method: clinical testing. Allele origin: germline.
Comment: This variant is classified as likely benign based on ACMG/AMP sequence variant interpretation guidelines (Richards et al. 2015 PMID: 25741868, with internal and published modifications).

NM_003802.3(MYH13):c.606C>T (p.Thr202=)

Gene: MYH13 (myosin heavy chain 13; minus strand). Cytogenetic location: 17p13.1.
Variant type: single nucleotide variant.
Coding change: c.606C>T on transcript NM_003802.3 (MANE Select); coding-DNA position 606, C replaced by T.
Protein change: p.Thr202=; no amino-acid change (threonine 202 retained).
Molecular consequence: synonymous variant.
Genome position (GRCh38, 1-based): chr17:10,359,999, G>A on the plus strand (C>T on the coding strand, the complement: MYH13 is on the minus strand). VCF-style: chr17-10359999-G-A. GRCh37 (hg19) VCF-style: chr17-10263316-G-A.
Identifiers: ClinVar variation 3053856 (VCV003053856.2), dbSNP rs142831290, ClinGen allele CA8386705.